The following is an entry in ClinVar:

ClinVar aggregate classification (germline): Uncertain significance. Review status: criteria provided, multiple submitters, no conflicts (2 of 4 stars). 2 submissions from 2 submitters: Uncertain significance (2). Last evaluated 2022-01-02.

Conditions:
Primary ciliary dyskinesia. Also called: Ciliary dyskinesia. Identifiers: Orphanet 244, MedGen C0008780, MONDO:0016575, HP:0012265.

Submissions (2):

Labcorp Genetics (formerly Invitae), Labcorp
Classification: Uncertain significance for Primary ciliary dyskinesia. Last evaluated: 2022-01-02. Review status: criteria provided, single submitter. Criteria: Invitae Variant Classification Sherloc (09022015). Collection method: clinical testing. Allele origin: germline.
Comment: This sequence change replaces threonine, which is neutral and polar, with arginine, which is basic and polar, at codon 206 of the RPGR protein (p.Thr206Arg). This variant is not present in population databases (gnomAD no frequency). This variant has not been reported in the literature in individuals affected with RPGR-related conditions. Algorithms developed to predict the effect of missense changes on protein structure and function (SIFT, PolyPhen-2, Align-GVGD) all suggest that this variant is likely to be disruptive. In summary, the available evidence is currently insufficient to determine the role of this variant in disease. Therefore, it has been classified as a Variant of Uncertain Significance.

PreventionGenetics, part of Exact Sciences
Classification: Uncertain significance. Last evaluated: 2015-06-10. Review status: criteria provided, single submitter. Criteria: ACMG Guidelines, 2015. Collection method: clinical testing. Allele origin: germline.

NM_001034853.2(RPGR):c.617C>G (p.Thr206Arg)

Gene: RPGR (retinitis pigmentosa GTPase regulator; minus strand). Cytogenetic location: Xp11.4.
Variant type: single nucleotide variant.
Coding change: c.617C>G on transcript NM_001034853.2 (MANE Select); coding-DNA position 617, C replaced by G.
Protein change: p.Thr206Arg; replaces threonine 206 with arginine.
Molecular consequence: missense variant. On other transcripts: non-coding transcript variant (5).
Genome position (GRCh38, 1-based): chrX:38,317,318, G>C on the plus strand (C>G on the coding strand, the complement: RPGR is on the minus strand). VCF-style: chrX-38317318-G-C. GRCh37 (hg19) VCF-style: chrX-38176571-G-C.
Other names: c.617C>G, p.Thr206Arg (NM_000328.3, NM_001367245.1, NM_001367246.1 and 3 more transcripts); c.647C>G, p.Thr216Arg (NM_001367248.1); c.614C>G, p.Thr205Arg (NM_001367249.1); short protein forms T205R, T206R, T216R.
Identifiers: ClinVar variation 1802309 (VCV001802309.7), dbSNP rs1555967757, ClinGen allele CA412744380.